The following is an entry in ClinVar:

NM_001020658.2(PUM1):c.893C>T (p.Thr298Ile)

Gene: PUM1 (pumilio RNA binding family member 1; minus strand). Cytogenetic location: 1p35.2.
Variant type: single nucleotide variant.
Coding change: c.893C>T on transcript NM_001020658.2 (MANE Select); coding-DNA position 893, C replaced by T.
Protein change: p.Thr298Ile; replaces threonine 298 with isoleucine.
Molecular consequence: missense variant.
Genome position (GRCh38, 1-based): chr1:30,992,655, G>A on the plus strand (C>T on the coding strand, the complement: PUM1 is on the minus strand). VCF-style: chr1-30992655-G-A. GRCh37 (hg19) VCF-style: chr1-31465502-G-A.
Other names: c.893C>T, p.Thr298Ile (NM_014676.3); short protein forms T298I.
Identifiers: ClinVar variation 4537535 (VCV004537535.1).
Genomic context (GRCh38, chr1:30,992,655, plus strand): 5'-CCATTCTGGTTTGGACCCAGAAGATCCACTTCATTAGCAGAGTTCTGGCAATTACCAGGG[G>A]TACGGCTAAACAGAGAAAGTAAAGGGCATTAAACCTTATTTTCAGTGGGGAGGGACTACA-3'
Protein context (NP_001018494.1, residues 288-308): IDADVKDFSR[Thr298Ile]PGNCQNSANE

ClinVar aggregate classification (germline): Uncertain significance (1 of 4 stars; one submission).

Submission:

GeneDx
Classification: Uncertain significance. Last evaluated: 2025-06-11. Review status: criteria provided, single submitter. Criteria: GeneDx Variant Classification Process June 2021. Collection method: clinical testing. Allele origin: germline. Affected: yes.
Comment: Not observed at significant frequency in large population cohorts (gnomAD); In silico analysis supports that this missense variant has a deleterious effect on protein structure/function; Has not been previously published as pathogenic or benign to our knowledge